The following is an entry in ClinVar:

ClinVar aggregate classification (germline): Conflicting classifications of pathogenicity. Review status: criteria provided, conflicting classifications (1 of 4 stars). 4 submissions from 4 submitters: Uncertain significance (3); Likely benign (1). Last evaluated 2024-09-01.

Conditions:
Hereditary cancer-predisposing syndrome. Also called: Neoplastic Syndromes, Hereditary; Tumor predisposition; Hereditary neoplastic syndrome; Hereditary Cancer Syndrome. Identifiers: Orphanet 140162, MedGen C0027672, MeSH D009386, MONDO:0015356.
Familial cancer of breast. Also called: BREAST CANCER, FAMILIAL; Hereditary breast cancer; hereditary breast carcinoma. Identifiers: Orphanet 227535, MedGen C0346153, MONDO:0016419, OMIM 114480. Disease mechanism: loss of function.
Fanconi anemia complementation group J. Also called: BRIP1-Related Fanconi Anemia. Identifiers: Orphanet 84, MedGen C1836860, MONDO:0012187, OMIM 609054.

Allele frequency attached by ClinVar (database versions not stated): gnomAD exomes below 0.00001 and 0.00001; ExAC 0.00001.

Submissions (4):

Labcorp Genetics (formerly Invitae), Labcorp
Classification: Uncertain significance for Familial cancer of breast; Fanconi anemia complementation group J. Last evaluated: 2024-09-01. Review status: criteria provided, single submitter. Criteria: Invitae Variant Classification Sherloc (09022015). Collection method: clinical testing. Allele origin: germline.
Comment: This sequence change replaces methionine, which is neutral and non-polar, with threonine, which is neutral and polar, at codon 1041 of the BRIP1 protein (p.Met1041Thr). This variant is present in population databases (rs761225576, gnomAD 0.006%). This variant has not been reported in the literature in individuals affected with BRIP1-related conditions. ClinVar contains an entry for this variant (Variation ID: 241650). An algorithm developed to predict the effect of missense changes on protein structure and function outputs the following: PolyPhen-2: "Benign". The threonine amino acid residue is found in multiple mammalian species, which suggests that this missense change does not adversely affect protein function. In summary, the available evidence is currently insufficient to determine the role of this variant in disease. Therefore, it has been classified as a Variant of Uncertain Significance.

Color Diagnostics, LLC DBA Color Health
Classification: Uncertain significance for Hereditary cancer-predisposing syndrome. Last evaluated: 2020-01-28. Review status: criteria provided, single submitter. Criteria: ACMG Guidelines, 2015. Collection method: clinical testing. Allele origin: germline.
Comment: This missense variant replaces methionine with threonine at codon 1041 of the BRIP1 protein. Computational prediction tool suggests that this variant may not impact protein structure and function (internally defined REVEL score threshold ≤0.5, PMID: 27666373). Splice site prediction tools suggest that this variant may not impact RNA splicing. To our knowledge, functional studies have not been performed for this variant. This variant has not been reported in individuals affected with hereditary cancer in the literature. This variant has been identified in 2/251454 chromosomes in the general population by the Genome Aggregation Database (gnomAD). The available evidence is insufficient to determine the role of this variant in disease conclusively. Therefore, this variant is classified as a Variant of Uncertain Significance.

Ambry Genetics
Classification: Uncertain significance for Hereditary cancer-predisposing syndrome. Last evaluated: 2019-12-03. Review status: criteria provided, single submitter. Criteria: Ambry Variant Classification Scheme 2023. Collection method: clinical testing. Allele origin: germline.
Comment: The p.M1041T variant (also known as c.3122T>C), located in coding exon 19 of the BRIP1 gene, results from a T to C substitution at nucleotide position 3122. The methionine at codon 1041 is replaced by threonine, an amino acid with similar properties. This amino acid position is poorly conserved in available vertebrate species. In addition, this alteration is predicted to be tolerated by in silico analysis. Since supporting evidence is limited at this time, the clinical significance of this alteration remains unclear.

Mendelics
Classification: Likely benign for Familial cancer of breast. Last evaluated: 2019-05-28. Review status: criteria provided, single submitter. Criteria: Mendelics Assertion Criteria 2017. Collection method: clinical testing. Allele origin: unknown.

NM_032043.3(BRIP1):c.3122T>C (p.Met1041Thr)

Gene: BRIP1 (BRCA1 interacting DNA helicase 1; minus strand). Cytogenetic location: 17q23.2.
Variant type: single nucleotide variant.
Coding change: c.3122T>C on transcript NM_032043.3 (MANE Select); coding-DNA position 3122, T replaced by C.
Protein change: p.Met1041Thr; replaces methionine 1041 with threonine.
Molecular consequence: missense variant.
Genome position (GRCh38, 1-based): chr17:61,683,924, A>G on the plus strand (T>C on the coding strand, the complement: BRIP1 is on the minus strand). VCF-style: chr17-61683924-A-G. GRCh37 (hg19) VCF-style: chr17-59761285-A-G.
Other names: short protein forms M1041T.
Identifiers: ClinVar variation 241650 (VCV000241650.19), dbSNP rs761225576, ClinGen allele CA8690394.